The following is an entry in ClinVar:

NM_181882.3(PRX):c.3308C>T (p.Thr1103Met)

Gene: PRX (periaxin; minus strand). Cytogenetic location: 19q13.2.
Variant type: single nucleotide variant.
Coding change: c.3308C>T on transcript NM_181882.3 (MANE Select); coding-DNA position 3308, C replaced by T.
Protein change: p.Thr1103Met; replaces threonine 1103 with methionine.
Molecular consequence: missense variant. On other transcripts: 3 prime UTR variant (1).
Genome position (GRCh38, 1-based): chr19:40,395,044, G>A on the plus strand (C>T on the coding strand, the complement: PRX is on the minus strand). VCF-style: chr19-40395044-G-A. GRCh37 (hg19) VCF-style: chr19-40900951-G-A.
Other names: c.3593C>T, p.Thr1198Met (NM_001411127.1); c.*3513C>T (NM_020956.2); short protein forms T1103M, T1198M.
Identifiers: ClinVar variation 1730032 (VCV001730032.2), dbSNP rs543476780, ClinGen allele CA9443886.

ClinVar aggregate classification (germline): Uncertain significance (1 of 4 stars; one submission).

Conditions:
Inborn genetic diseases. Identifiers: MedGen C0950123, MeSH D030342.

Allele frequency attached by ClinVar (database versions not stated): gnomAD 0.00001; gnomAD exomes 0.00001; ExAC 0.00003; TOPMed 0.00004; 1000 Genomes Project 30x 0.00016; 1000 Genomes Project 0.00020.
gnomAD v4.1: 15 of 1,611,798 alleles (0.00093%); highest among the groups gnomAD compares: Admixed American, 0.012%; no homozygotes.

Submission:

Ambry Genetics
Classification: Uncertain significance for Inborn genetic diseases. Last evaluated: 2022-03-20. Review status: criteria provided, single submitter. Criteria: Ambry Variant Classification Scheme 2023. Collection method: clinical testing. Allele origin: germline.
Comment: The p.T1103M variant (also known as c.3308C>T), located in coding exon 4 of the PRX gene, results from a C to T substitution at nucleotide position 3308. The threonine at codon 1103 is replaced by methionine, an amino acid with similar properties. This amino acid position is conserved. In addition, this alteration is predicted to be tolerated by in silico analysis. Since supporting evidence is limited at this time, the clinical significance of this alteration remains unclear.